The following is an entry in ClinVar:

ClinVar aggregate classification (germline): Uncertain significance (1 of 4 stars; one submission).

Allele frequency attached by ClinVar (database versions not stated): TOPMed below 0.00001; gnomAD exomes 0.00001.
gnomAD v4.1: 3 of 1,613,966 alleles (0.00019%); highest among the groups gnomAD compares: Admixed American, 0.0033%; no homozygotes.

Submission:

Labcorp Genetics (formerly Invitae), Labcorp
Classification: Uncertain significance. Last evaluated: 2021-09-01. Review status: criteria provided, single submitter. Criteria: Invitae Variant Classification Sherloc (09022015). Collection method: clinical testing. Allele origin: germline.
Comment: This sequence change replaces alanine with threonine at codon 146 of the PDE6C protein (p.Ala146Thr). The alanine residue is weakly conserved and there is a small physicochemical difference between alanine and threonine. This variant is not present in population databases (ExAC no frequency). This variant has not been reported in the literature in individuals affected with PDE6C-related conditions. Algorithms developed to predict the effect of missense changes on protein structure and function (SIFT, PolyPhen-2, Align-GVGD) all suggest that this variant is likely to be tolerated. In summary, the available evidence is currently insufficient to determine the role of this variant in disease. Therefore, it has been classified as a Variant of Uncertain Significance.

NM_006204.4(PDE6C):c.436G>A (p.Ala146Thr)

Gene: PDE6C (phosphodiesterase 6C; plus strand). Cytogenetic location: 10q23.33.
Variant type: single nucleotide variant.
Coding change: c.436G>A on transcript NM_006204.4 (MANE Select); coding-DNA position 436, G replaced by A.
Protein change: p.Ala146Thr; replaces alanine 146 with threonine.
Molecular consequence: missense variant.
Genome position (GRCh38, 1-based): chr10:93,613,161, G>A. VCF-style: chr10-93613161-G-A. GRCh37 (hg19) VCF-style: chr10-95372918-G-A.
Other names: short protein forms A146T.
Identifiers: ClinVar variation 1022629 (VCV001022629.6), dbSNP rs1347821543, ClinGen allele CA377622851.
Genomic context (GRCh38, chr10:93,613,161, plus strand): 5'-AACCTGGTGGGCCCTGACAAAGAAGTTGTGTTTCCATTGGACATTGGGATAGTGGGTTGG[G>A]CTGCTCACACGAAGAAAACTCATAATGTCCCAGATGTGAAAAAGGTAGGTGGCCTTATGA-3'
Protein context (NP_006195.3, residues 136-156): FPLDIGIVGW[Ala146Thr]AHTKKTHNVP